The following is an entry in ClinVar:

NM_001148.6(ANK2):c.10373G>A (p.Ser3458Asn)

Gene: ANK2 (ankyrin 2; plus strand). Cytogenetic location: 4q26.
Variant type: single nucleotide variant.
Coding change: c.10373G>A on transcript NM_001148.6 (MANE Select); coding-DNA position 10373, G replaced by A.
Protein change: p.Ser3458Asn; replaces serine 3458 with asparagine.
Molecular consequence: missense variant. On other transcripts: intron variant (68).
Genome position (GRCh38, 1-based): chr4:113,358,991, G>A. VCF-style: chr4-113358991-G-A. GRCh37 (hg19) VCF-style: chr4-114280147-G-A.
Other names: c.4364-1832G>A (NM_001354255.2, NM_001386143.1, NM_001354243.2); c.4265-1832G>A (NM_001354262.2, NM_001354275.2, NM_001354245.2); c.4202-1832G>A (NM_001354253.2, NM_001354270.2); c.4166-1832G>A (NM_001354257.2, NM_001386156.1); c.4241-1832G>A (NM_001354249.2, NM_001354266.2, NM_001354276.2 and 2 more transcripts); c.4208-1832G>A (NM_001386146.1, NM_001386150.1, NM_001386149.1 and 1 more transcripts); c.4193-1832G>A (NM_001354274.2, NM_001386154.1); c.4142-1832G>A (NM_001386151.1, NM_001354260.2, NM_001354271.2); and 35 more; short protein forms S2258N, S3380N, S3458N, S3497N, S3505N.
Identifiers: ClinVar variation 2655040 (VCV002655040.24), dbSNP rs2506043513, ClinGen allele CA357940262.

ClinVar aggregate classification (germline): Uncertain significance (1 of 4 stars; one submission).

Allele frequency attached by ClinVar (database versions not stated): gnomAD exomes below 0.00001.
gnomAD v4.1: 1 of 1,614,070 alleles (0.000062%); highest among the groups gnomAD compares: Non-Finnish European, 0.000085%; no homozygotes.

Submission:

CeGaT Center for Human Genetics Tuebingen
Classification: Uncertain significance. Last evaluated: 2022-06-01. Review status: criteria provided, single submitter. Criteria: CeGaT Center For Human Genetics Tuebingen Variant Classification Criteria Version 2. Collection method: clinical testing. Allele origin: germline. Affected: yes. Observed: 1 variant allele.
Comment: ANK2: PM2